The following is an entry in ClinVar:

NM_006218.4(PIK3CA):c.352+6A>G

Gene: PIK3CA (phosphatidylinositol-4,5-bisphosphate 3-kinase catalytic subunit alpha; plus strand). Cytogenetic location: 3q26.32.
Variant type: single nucleotide variant.
Coding change: c.352+6A>G on transcript NM_006218.4 (MANE Select); 6 bases into the intron after coding-DNA position 352, A replaced by G.
Molecular consequence: intron variant.
Genome position (GRCh38, 1-based): chr3:179,199,183, A>G. VCF-style: chr3-179199183-A-G. GRCh37 (hg19) VCF-style: chr3-178916971-A-G.
Identifiers: ClinVar variation 2874294 (VCV002874294.3), dbSNP rs2473888135, ClinGen allele CA2577963017.

ClinVar aggregate classification (germline): Uncertain significance (1 of 4 stars; one submission).

Conditions:
Cowden syndrome (CS). Also called: Cowden's disease; Cowden's syndrome; Cowden disease. Identifiers: Orphanet 201, MedGen C0018553, MONDO:0016063. Disease mechanism: gain of function.

Submission:

Labcorp Genetics (formerly Invitae), Labcorp
Classification: Uncertain significance for Cowden syndrome. Last evaluated: 2023-06-22. Review status: criteria provided, single submitter. Criteria: Invitae Variant Classification Sherloc (09022015). Collection method: clinical testing. Allele origin: germline.
Comment: In summary, the available evidence is currently insufficient to determine the role of this variant in disease. Therefore, it has been classified as a Variant of Uncertain Significance. Variants that disrupt the consensus splice site are a relatively common cause of aberrant splicing (PMID: 17576681, 9536098). Algorithms developed to predict the effect of sequence changes on RNA splicing suggest that this variant may create or strengthen a splice site. This variant has not been reported in the literature in individuals affected with PIK3CA-related conditions. This variant is not present in population databases (gnomAD no frequency). This sequence change falls in intron 2 of the PIK3CA gene. It does not directly change the encoded amino acid sequence of the PIK3CA protein. It affects a nucleotide within the consensus splice site.

Literature cited by the submitters: PubMed 17576681; PubMed 9536098.